The following is an entry in ClinVar:

NM_000182.5(HADHA):c.2027G>T (p.Arg676Leu)

Genes: GAREM2 (GRB2 associated regulator of MAPK1 subtype 2; plus strand), HADHA (hydroxyacyl-CoA dehydrogenase trifunctional multienzyme complex subunit alpha; minus strand). Cytogenetic location: 2p23.3.
Variant type: single nucleotide variant.
Coding change: c.2027G>T on transcript NM_000182.5 (MANE Select); coding-DNA position 2027, G replaced by T.
Protein change: p.Arg676Leu; replaces arginine 676 with leucine.
Molecular consequence: missense variant.
Genome position (GRCh38, 1-based): chr2:26,191,602, C>A on the plus strand (G>T on the coding strand, the complement: HADHA is on the minus strand). VCF-style: chr2-26191602-C-A. GRCh37 (hg19) VCF-style: chr2-26414471-C-A.
Other names: c.2027G>T (NM_000182.4); short protein forms R676L.
Identifiers: ClinVar variation 1439389 (VCV001439389.8), dbSNP rs1204190984, ClinGen allele CA346113500.
Genomic context (GRCh38, chr2:26,191,602, plus strand): 5'-GTGGCCAAGATCCCCTCTTGCAGGCACATGACTGCCTCATTCACAAATCTTGTCACCAGG[C>A]GGAACTGGATGTCTTCGTCTGATGAGCTGCCAACAGAAAGAGATGTTTAGGTAGAAGAAG-3'
Protein context (NP_000173.2, residues 666-686): EVSSDEDIQF[Arg676Leu]LVTRFVNEAV

ClinVar aggregate classification (germline): Conflicting classifications of pathogenicity. Review status: criteria provided, conflicting classifications (1 of 4 stars). 3 submissions from 3 submitters: Likely pathogenic (2); Uncertain significance (1). Last evaluated 2026-01-12.

Conditions:
Mitochondrial trifunctional protein deficiency. Identifiers: Orphanet 746, MedGen C1969443, MONDO:0012172.
Long chain 3-hydroxyacyl-CoA dehydrogenase deficiency. Also called: LCHAD Deficiency; Deficiency of long-chain 3-hydroxyacyl-coenzyme A dehydrogenase. Identifiers: Orphanet 5, MedGen C3711645, MONDO:0012173, OMIM 609016.
Mitochondrial trifunctional protein deficiency 1 (MTPD1). Identifiers: MedGen CN376812, MONDO:0958181, OMIM 609015.

gnomAD v4.1: 4 of 1,613,914 alleles (0.00025%); highest among the groups gnomAD compares: African/African-American, 0.004%; no homozygotes.

Submissions (3):

Natera, Inc.
Classification: Likely pathogenic for Deficiency of long-chain 3-hydroxyacyl-coenzyme A dehydrogenase. Last evaluated: 2026-01-12. Review status: criteria provided, single submitter. Criteria: Natera Variant Classification Schema (03/2026). Collection method: clinical testing. Allele origin: germline.
Comment: The c.2027G>T variant in HADHA is a missense variant predicted to cause substitution of arginine to leucine at amino acid 676. This variant is rare in the general population with a frequency below the threshold expected for the associated phenotype(s). This variant has been observed in one or more individuals affected with the associated recessive disease, as either homozygous or compound heterozygous with a second variant (PMID: 24305961). A different variant at the same position has been determined to be Pathogenic or Likely Pathogenic. Computational prediction algorithms indicate this variant is likely to affect gene or protein function. Given the available evidence, this variant is classified as Likely Pathogenic.

Labcorp Genetics (formerly Invitae), Labcorp
Classification: Uncertain significance for Mitochondrial trifunctional protein deficiency; Long chain 3-hydroxyacyl-CoA dehydrogenase deficiency. Last evaluated: 2021-08-30. Review status: criteria provided, single submitter. Criteria: Invitae Variant Classification Sherloc (09022015). Collection method: clinical testing. Allele origin: germline.
Comment: This sequence change replaces arginine with leucine at codon 676 of the HADHA protein (p.Arg676Leu). The arginine residue is highly conserved and there is a moderate physicochemical difference between arginine and leucine. This variant is not present in population databases (ExAC no frequency). This variant has not been reported in the literature in individuals affected with HADHA-related conditions. Algorithms developed to predict the effect of missense changes on protein structure and function are either unavailable or do not agree on the potential impact of this missense change (SIFT: "Deleterious"; PolyPhen-2: "Probably Damaging"; Align-GVGD: "Class C0"). This variant disrupts the p.Arg676 amino acid residue in HADHA. Other variant(s) that disrupt this residue have been determined to be pathogenic (PMID: 10352164, 21549624, 26109258). This suggests that this residue is clinically significant, and that variants that disrupt this residue are likely to be disease-causing. In summary, the available evidence is currently insufficient to determine the role of this variant in disease. Therefore, it has been classified as a Variant of Uncertain Significance.

Juno Genomics, Hangzhou Juno Genomics, Inc
Classification: Likely pathogenic for Mitochondrial trifunctional protein deficiency 1; Long chain 3-hydroxyacyl-CoA dehydrogenase deficiency. Review status: criteria provided, single submitter. Criteria: ACMG Guidelines, 2015. Collection method: clinical testing. Allele origin: germline.
Comment: Absent from controls (or at extremely low frequency if recessive) in Genome Aggregation Database.;Multiple lines of computational evidence support a deleterious effect on the gene or gene product.;Novel missense change at an amino acid residue where a different missense change determined to be pathogenic has been seen before.

Literature cited by the submitters: PubMed 24305961 (cited by Natera, Inc.); PubMed 10352164 (cited by Labcorp Genetics (formerly Invitae), Labcorp); PubMed 21549624 (cited by Labcorp Genetics (formerly Invitae), Labcorp); PubMed 26109258 (cited by Labcorp Genetics (formerly Invitae), Labcorp).